The following is an entry in ClinVar:

ClinVar aggregate classification (germline): Uncertain significance (1 of 4 stars; one submission).

Conditions:
Nephrolithiasis/nephrocalcinosis. Identifiers: MedGen CN580796.

gnomAD v4.1: 1 of 1,614,102 alleles (0.000062%); highest among the groups gnomAD compares: Non-Finnish European, 0.000085%; no homozygotes.

Submission:

Ambry Genetics
Classification: Uncertain significance for Nephrolithiasis/nephrocalcinosis. Last evaluated: 2024-03-25. Review status: criteria provided, single submitter. Criteria: Ambry Variant Classification Scheme 2023. Collection method: clinical testing. Allele origin: germline.
Comment: The p.W590C variant (also known as c.1770G>C), located in coding exon 6 of the CASR gene, results from a G to C substitution at nucleotide position 1770. The tryptophan at codon 590 is replaced by cysteine, an amino acid with highly dissimilar properties. This amino acid position is highly conserved in available vertebrate species. In addition, this alteration is predicted to be deleterious by in silico analysis. In addition, the evidence for the gene-disease relationship is limited for pancreatitis and cancer predisposition; therefore, the clinical significance of this variant for CASR-related pancreatitis and cancer predisposition is unclear. Based on the available evidence, the clinical significance of this alteration remains unclear.

NM_000388.4(CASR):c.1770G>C (p.Trp590Cys)

Gene: CASR (calcium sensing receptor; plus strand). Cytogenetic location: 3q21.1.
Variant type: single nucleotide variant.
Coding change: c.1770G>C on transcript NM_000388.4 (MANE Select); coding-DNA position 1770, G replaced by C.
Protein change: p.Trp590Cys; replaces tryptophan 590 with cysteine.
Molecular consequence: missense variant.
Genome position (GRCh38, 1-based): chr3:122,283,724, G>C. VCF-style: chr3-122283724-G-C. GRCh37 (hg19) VCF-style: chr3-122002571-G-C.
Other names: c.1800G>C, p.Trp600Cys (NM_001178065.2); short protein forms W590C, W600C.
Identifiers: ClinVar variation 3263479 (VCV003263479.1).
Genomic context (GRCh38, chr3:122,283,724, plus strand): 5'-CTCTTCACTGGGACATTTTACAGATGCCAGTGCCTGTAACAAGTGCCCAGATGACTTCTG[G>C]TCCAATGAGAACCACACCTCCTGCATTGCCAAGGAGATCGAGTTTCTGTCGTGGACGGAG-3'
Protein context (NP_000379.3, residues 580-600): SACNKCPDDF[Trp590Cys]SNENHTSCIA